The following is an entry in ClinVar:

ClinVar aggregate classification (germline): Uncertain significance. Review status: criteria provided, multiple submitters, no conflicts (2 of 4 stars). 2 submissions from 2 submitters: Uncertain significance (2). Last evaluated 2024-05-28.

Conditions:
Luscan-Lumish syndrome. Identifiers: Orphanet 597738, MedGen C4085873, MONDO:0014791, OMIM 616831.

Allele frequency attached by ClinVar (database versions not stated): gnomAD exomes below 0.00001 and 0.00001; TOPMed below 0.00001; ExAC 0.00001; ESP Exome Variant Server 0.00008.
gnomAD v4.1: 3 of 1,612,402 alleles (0.00019%); highest among the groups gnomAD compares: Non-Finnish European, 0.00025%; no homozygotes.

Submissions (2):

Blueprint Genetics
Classification: Uncertain significance. Last evaluated: 2024-05-28. Review status: criteria provided, single submitter. Criteria: ACMG Guidelines, 2015. Collection method: clinical testing. Allele origin: germline.

Labcorp Genetics (formerly Invitae), Labcorp
Classification: Uncertain significance for Luscan-Lumish syndrome. Last evaluated: 2020-02-22. Review status: criteria provided, single submitter. Criteria: Invitae Variant Classification Sherloc (09022015). Collection method: clinical testing. Allele origin: germline.
Comment: This sequence change replaces aspartic acid with histidine at codon 1414 of the SETD2 protein (p.Asp1414His). The aspartic acid residue is moderately conserved and there is a moderate physicochemical difference between aspartic acid and histidine. In summary, the available evidence is currently insufficient to determine the role of this variant in disease. Therefore, it has been classified as a Variant of Uncertain Significance. Algorithms developed to predict the effect of missense changes on protein structure and function are either unavailable or do not agree on the potential impact of this missense change (SIFT: "Deleterious"; PolyPhen-2: "Possibly Damaging"; Align-GVGD: "Class C0"). This variant is present in population databases (rs373340813, ExAC 0.002%). This variant has not been reported in the literature in individuals with SETD2-related conditions.

NM_014159.7(SETD2):c.4240G>C (p.Asp1414His)

Gene: SETD2 (SET domain containing 2, histone lysine methyltransferase; minus strand). Cytogenetic location: 3p21.31.
Variant type: single nucleotide variant.
Coding change: c.4240G>C on transcript NM_014159.7 (MANE Select); coding-DNA position 4240, G replaced by C.
Protein change: p.Asp1414His; replaces aspartic acid 1414 with histidine.
Molecular consequence: missense variant. On other transcripts: non-coding transcript variant (1).
Genome position (GRCh38, 1-based): chr3:47,120,396, C>G on the plus strand (G>C on the coding strand, the complement: SETD2 is on the minus strand). VCF-style: chr3-47120396-C-G. GRCh37 (hg19) VCF-style: chr3-47161886-C-G.
Other names: c.4108G>C, p.Asp1370His (NM_001349370.3); short protein forms D1414H, D1370H.
Identifiers: ClinVar variation 838250 (VCV000838250.7), dbSNP rs373340813, ClinGen allele CA2363243.